The following is an entry in ClinVar:

ClinVar aggregate classification (germline): Uncertain significance (1 of 4 stars; one submission).

Conditions:
Neurofibromatosis, type 2 (SWNV). Also called: BILATERAL ACOUSTIC NEUROFIBROMATOSIS; SCHWANNOMATOSIS, VESTIBULAR; NF2-Related Schwannomatosis. Identifiers: Orphanet 637, MedGen C0027832, MONDO:0007039, OMIM 101000. Disease mechanism: loss of function.

Submission:

Labcorp Genetics (formerly Invitae), Labcorp
Classification: Uncertain significance for Neurofibromatosis, type 2. Last evaluated: 2019-07-15. Review status: criteria provided, single submitter. Criteria: Invitae Variant Classification Sherloc (09022015). Collection method: clinical testing. Allele origin: germline.
Comment: This variant results in a copy number gain of the genomic region encompassing exons 2-16 of the NF2 gene. The 5' boundary is likely confined to intron 1. The 3' end of this event is unknown as it extends beyond the assayed region for this gene and therefore may encompass additional genes. As the precise location of this event is unknown, it may be in tandem or it may be located elsewhere in the genome. This variant has not been reported in the literature in individuals with NF2-related conditions. Experimental studies and prediction algorithms are not available or were not evaluated for this variant, and the functional significance of the affected amino acid(s) is currently unknown. In summary, the available evidence is currently insufficient to determine the role of this variant in disease. Therefore, it has been classified as a Variant of Uncertain Significance.

NC_000022.11:g.(?_29636741)_(29694812_?)dup

Gene: NF2 (NF2, moesin-ezrin-radixin like (MERLIN) tumor suppressor; plus strand). Cytogenetic location: 22q12.2.
Variant type: Duplication.
Identifiers: ClinVar variation 832491 (VCV000832491.1).